The following is an entry in ClinVar:

NM_000094.4(COL7A1):c.1906+3del

Gene: COL7A1 (collagen type VII alpha 1 chain; minus strand). Cytogenetic location: 3p21.31.
Variant type: Deletion.
Coding change: c.1906+3del on transcript NM_000094.4 (MANE Select); 3 bases into the intron after coding-DNA position 1906, one base deleted (C; older notation c.1906+3delC).
Molecular consequence: intron variant.
Genome position (GRCh38, 1-based): chr3:48,590,456, G deleted on the plus strand (C on the coding strand, the reverse complement: COL7A1 is on the minus strand). VCF-style (leftmost placement, unchanged base first): chr3-48590455-TG-T. GRCh37 (hg19) VCF-style: chr3-48627888-TG-T.
Identifiers: ClinVar variation 2169430 (VCV002169430.1), dbSNP rs1258657245, ClinGen allele CA433618220.
Genomic context (GRCh38, chr3:48,590,455, plus strand): 5'-TCCCCTCTGGCACCCATACCCTCATTGGTCCCTTTGGCAGTCCCCCCACACACCCCACAC[TG>T]ACCACTGCCTGTGCTCCAGCTAATCCGAAATCCACTGGCTCCAGGGACGGGTCCCCAGGC-3'

ClinVar aggregate classification (germline): Uncertain significance (1 of 4 stars; one submission).

Allele frequency attached by ClinVar (database versions not stated): gnomAD exomes 0.00001; TOPMed 0.00001.

Submission:

Labcorp Genetics (formerly Invitae), Labcorp
Classification: Uncertain significance. Last evaluated: 2022-08-09. Review status: criteria provided, single submitter. Criteria: Invitae Variant Classification Sherloc (09022015). Collection method: clinical testing. Allele origin: germline.
Comment: This sequence change falls in intron 14 of the COL7A1 gene. It does not directly change the encoded amino acid sequence of the COL7A1 protein. It affects a nucleotide within the consensus splice site. This variant is present in population databases (no rsID available, gnomAD 0.003%). This variant has not been reported in the literature in individuals affected with COL7A1-related conditions. Variants that disrupt the consensus splice site are a relatively common cause of aberrant splicing (PMID: 17576681, 9536098). Algorithms developed to predict the effect of sequence changes on RNA splicing suggest that this variant may disrupt the consensus splice site. In summary, the available evidence is currently insufficient to determine the role of this variant in disease. Therefore, it has been classified as a Variant of Uncertain Significance.

Literature cited by the submitters: PubMed 17576681; PubMed 9536098.